The following is an entry in ClinVar:

NM_001004334.4(GPR179):c.814G>A (p.Val272Ile)

Gene: GPR179 (G protein-coupled receptor 179; minus strand). Cytogenetic location: 17q12.
Variant type: single nucleotide variant.
Coding change: c.814G>A on transcript NM_001004334.4 (MANE Select); coding-DNA position 814, G replaced by A.
Protein change: p.Val272Ile; replaces valine 272 with isoleucine.
Molecular consequence: missense variant.
Genome position (GRCh38, 1-based): chr17:38,339,506, C>T on the plus strand (G>A on the coding strand, the complement: GPR179 is on the minus strand). VCF-style: chr17-38339506-C-T. GRCh37 (hg19) VCF-style: chr17-36495389-C-T.
Other names: c.814G>A (NM_001004334.2, NM_001004334.3); short protein forms V272I.
Identifiers: ClinVar variation 1487612 (VCV001487612.7), dbSNP rs183799079, ClinGen allele CA290110172.

ClinVar aggregate classification (germline): Conflicting classifications of pathogenicity. Review status: criteria provided, conflicting classifications (1 of 4 stars). 4 submissions from 4 submitters: Uncertain significance (1); Likely benign (2). 1 of the submissions does not count toward it. Last evaluated 2024-06-12.

Conditions:
GPR179-related disorder. Also called: GPR179-related condition.
Inborn genetic diseases. Identifiers: MedGen C0950123, MeSH D030342.

Allele frequency attached by ClinVar (database versions not stated): ESP Exome Variant Server 0.00016; gnomAD 0.00030 and 0.00033; TOPMed 0.00036; ExAC 0.00037; gnomAD exomes 0.00040 and 0.00063; 1000 Genomes Project 0.00060; 1000 Genomes Project 30x 0.00062.
gnomAD v4.1: 943 of 1,613,808 alleles (0.058%); highest among the groups gnomAD compares: Non-Finnish European, 0.073%; 2 homozygotes.

Submissions (4):

Blueprint Genetics
Classification: Likely benign. Last evaluated: 2024-06-12. Review status: criteria provided, single submitter. Criteria: ACMG Guidelines, 2015. Collection method: clinical testing. Allele origin: germline.

Ambry Genetics
Classification: Likely benign for Inborn genetic diseases. Last evaluated: 2023-12-14. Review status: criteria provided, single submitter. Criteria: Ambry Variant Classification Scheme 2023. Collection method: clinical testing. Allele origin: germline.

Labcorp Genetics (formerly Invitae), Labcorp
Classification: Uncertain significance. Last evaluated: 2023-12-11. Review status: criteria provided, single submitter. Criteria: Invitae Variant Classification Sherloc (09022015). Collection method: clinical testing. Allele origin: germline.
Comment: This sequence change replaces valine, which is neutral and non-polar, with isoleucine, which is neutral and non-polar, at codon 272 of the GPR179 protein (p.Val272Ile). This variant is present in population databases (rs183799079, gnomAD 0.06%). This variant has not been reported in the literature in individuals affected with GPR179-related conditions. ClinVar contains an entry for this variant (Variation ID: 1487612). Algorithms developed to predict the effect of missense changes on protein structure and function output the following: SIFT: "Not Available"; PolyPhen-2: "Benign"; Align-GVGD: "Not Available". The isoleucine amino acid residue is found in multiple mammalian species, which suggests that this missense change does not adversely affect protein function. In summary, the available evidence is currently insufficient to determine the role of this variant in disease. Therefore, it has been classified as a Variant of Uncertain Significance.

PreventionGenetics, part of Exact Sciences
Classification: Uncertain significance for GPR179-related condition. Last evaluated: 2024-03-27. Review status: no assertion criteria provided. Collection method: clinical testing. Allele origin: germline. Not counted in ClinVar's aggregate classification.
Comment: The GPR179 c.814G>A variant is predicted to result in the amino acid substitution p.Val272Ile. To our knowledge, this variant has not been reported in the literature. This variant is reported in 0.065% of alleles in individuals of European (Non-Finnish) descent in gnomAD. At this time, the clinical significance of this variant is uncertain due to the absence of conclusive functional and genetic evidence.